The following is an entry in ClinVar:

ClinVar aggregate classification (germline): Uncertain significance. Review status: criteria provided, multiple submitters, no conflicts (2 of 4 stars). 2 submissions from 2 submitters: Uncertain significance (2). Last evaluated 2024-05-13.

Submissions (2):

Blueprint Genetics
Classification: Uncertain significance. Last evaluated: 2024-05-13. Review status: criteria provided, single submitter. Criteria: ACMG Guidelines, 2015. Collection method: clinical testing. Allele origin: germline.

Labcorp Genetics (formerly Invitae), Labcorp
Classification: Uncertain significance. Last evaluated: 2022-07-17. Review status: criteria provided, single submitter. Criteria: Invitae Variant Classification Sherloc (09022015). Collection method: clinical testing. Allele origin: germline.
Comment: This sequence change falls in intron 11 of the COQ8A gene. It does not directly change the encoded amino acid sequence of the COQ8A protein. It affects a nucleotide within the consensus splice site. This variant is present in population databases (rs774113750, gnomAD 0.05%). This variant has not been reported in the literature in individuals affected with COQ8A-related conditions. Variants that disrupt the consensus splice site are a relatively common cause of aberrant splicing (PMID: 17576681, 9536098). Algorithms developed to predict the effect of sequence changes on RNA splicing suggest that this variant may disrupt the consensus splice site. In summary, the available evidence is currently insufficient to determine the role of this variant in disease. Therefore, it has been classified as a Variant of Uncertain Significance.

Literature cited by the submitters: PubMed 17576681 (cited by Labcorp Genetics (formerly Invitae), Labcorp); PubMed 9536098 (cited by Labcorp Genetics (formerly Invitae), Labcorp).

NM_020247.5(COQ8A):c.1398+1_1398+5dup

Gene: COQ8A (coenzyme Q8A; plus strand). Cytogenetic location: 1q42.13.
Variant type: Duplication.
Coding change: c.1398+1_1398+5dup on transcript NM_020247.5 (MANE Select); the canonical splice donor site of the intron after coding-DNA position 1398 through 5 bases into the intron after coding-DNA position 1398, 5 bases duplicated (GTTTG; older notation c.1398+1_1398+5dupGTTTG).
Molecular consequence: splice donor variant.
Genome position (GRCh38, 1-based): chr1:226,984,236-226,984,240, GTTTG duplicated; duplicating any 5 consecutive bases within chr1:226,984,235-226,984,240 gives the same sequence; the c. name uses the placement nearest the transcript's 3' end. VCF-style (leftmost placement, unchanged base first): chr1-226984234-A-AGGTTT. GRCh37 (hg19) VCF-style: chr1-227171935-A-AGGTTT.
Identifiers: ClinVar variation 2183805 (VCV002183805.2), dbSNP rs774113750, ClinGen allele CA1425460.